The following is an entry in ClinVar:

ClinVar aggregate classification (germline): Conflicting classifications of pathogenicity. Review status: criteria provided, conflicting classifications (1 of 4 stars). 4 submissions from 4 submitters: Uncertain significance (3); Likely benign (1). Last evaluated 2025-06-24.

Conditions:
Greenberg dysplasia (GRBGD). Also called: CHONDRODYSTROPHY, HYDROPIC AND PRENATALLY LETHAL TYPE; HEM SKELETAL DYSPLASIA; MOTH-EATEN SKELETAL DYSPLASIA. Identifiers: Orphanet 1426, MedGen C2931048, MONDO:0008974, OMIM 215140.
Regressive spondylometaphyseal dysplasia. Also called: PELGER-HUET ANOMALY WITH MILD SKELETAL ANOMALIES. Identifiers: Orphanet 448267, MedGen C4747922, MONDO:0018663, OMIM 618019.

Allele frequency attached by ClinVar (database versions not stated): gnomAD exomes below 0.00001 and 0.00001; gnomAD 0.00002; TOPMed 0.00002.
gnomAD v4.1: 13 of 1,612,614 alleles (0.00081%); highest among the groups gnomAD compares: Admixed American, 0.0017%; no homozygotes.

Submissions (4):

Labcorp Genetics (formerly Invitae), Labcorp
Classification: Uncertain significance. Last evaluated: 2025-06-24. Review status: criteria provided, single submitter. Criteria: Invitae Variant Classification Sherloc (09022015). Collection method: clinical testing. Allele origin: germline.
Comment: This sequence change affects codon 530 of the LBR mRNA. It is a 'silent' change, meaning that it does not change the encoded amino acid sequence of the LBR protein. This variant is present in population databases (rs766271949, gnomAD 0.002%). This variant has not been reported in the literature in individuals affected with LBR-related conditions. ClinVar contains an entry for this variant (Variation ID: 295931). Algorithms developed to predict the effect of sequence changes on RNA splicing suggest that this variant may create or strengthen a splice site. In summary, the available evidence is currently insufficient to determine the role of this variant in disease. Therefore, it has been classified as a Variant of Uncertain Significance.

New York Genome Center
Classification: Uncertain significance for Greenberg dysplasia; Regressive spondylometaphyseal dysplasia. Last evaluated: 2023-07-06. Review status: criteria provided, single submitter. Criteria: NYGC Assertion Criteria 2020. Collection method: clinical testing. Allele origin: germline. Observed: 1 variant allele.

Blueprint Genetics
Classification: Likely benign. Last evaluated: 2022-06-30. Review status: criteria provided, single submitter. Criteria: ACMG Guidelines, 2015. Collection method: clinical testing. Allele origin: germline.

Illumina Laboratory Services, Illumina
Classification: Uncertain significance for Greenberg dysplasia. Last evaluated: 2018-01-12. Review status: criteria provided, single submitter. Criteria: ICSL Variant Classification Criteria 13 December 2019. Collection method: clinical testing. Allele origin: germline.

NM_002296.4(LBR):c.1590G>A (p.Thr530=)

Gene: LBR (lamin B receptor; minus strand). Cytogenetic location: 1q42.12.
Variant type: single nucleotide variant.
Coding change: c.1590G>A on transcript NM_002296.4 (MANE Select); coding-DNA position 1590, G replaced by A.
Protein change: p.Thr530=; no amino-acid change (threonine 530 retained).
Molecular consequence: synonymous variant.
Genome position (GRCh38, 1-based): chr1:225,404,501, C>T on the plus strand (G>A on the coding strand, the complement: LBR is on the minus strand). VCF-style: chr1-225404501-C-T. GRCh37 (hg19) VCF-style: chr1-225592203-C-T.
Other names: c.1590G>A, p.Thr530= (NM_194442.3).
Identifiers: ClinVar variation 295931 (VCV000295931.10), dbSNP rs766271949, ClinGen allele CA10609244.